The following is an entry in ClinVar:

NM_001018115.3(FANCD2):c.1549A>G (p.Ile517Val)

Genes: FANCD2 (FA complementation group D2; plus strand), LOC107303338 (3p25 FANCD2 Alu-mediated recombination region; plus strand). Cytogenetic location: 3p25.3.
Variant type: single nucleotide variant.
Coding change: c.1549A>G on transcript NM_001018115.3 (MANE Select); coding-DNA position 1549, A replaced by G.
Protein change: p.Ile517Val; replaces isoleucine 517 with valine.
Molecular consequence: missense variant. On other transcripts: intron variant (1).
Genome position (GRCh38, 1-based): chr3:10,052,390, A>G. VCF-style: chr3-10052390-A-G. GRCh37 (hg19) VCF-style: chr3-10094074-A-G.
Other names: c.1549A>G, p.Ile517Val (NM_001319984.2, NM_001374254.1, NM_033084.6); c.1545+2885A>G (NM_001374253.1); short protein forms I517V.
Identifiers: ClinVar variation 1440769 (VCV001440769.7), dbSNP rs2087243822, ClinGen allele CA351739665.

ClinVar aggregate classification (germline): Uncertain significance. Review status: criteria provided, multiple submitters, no conflicts (2 of 4 stars). 2 submissions from 2 submitters: Uncertain significance (2). Last evaluated 2023-11-13.

Conditions:
Fanconi anemia complementation group D2. Also called: FANCD2-Related Fanconi Anemia; FANCONI PANCYTOPENIA, TYPE 4; FANCONI ANEMIA, COMPLEMENTATION GROUP D. Identifiers: Orphanet 84, MedGen C3160738, MONDO:0009214, OMIM 227646.
Fanconi anemia (FA). Also called: Fanconi's anemia. Identifiers: Orphanet 84, MedGen C0015625, MeSH D005199, MONDO:0019391.

Allele frequency attached by ClinVar (database versions not stated): gnomAD exomes below 0.00001; TOPMed below 0.00001.
gnomAD v4.1: 6 of 1,600,282 alleles (0.00037%); highest among the groups gnomAD compares: Admixed American, 0.0017%; no homozygotes.

Submissions (2):

Labcorp Genetics (formerly Invitae), Labcorp
Classification: Uncertain significance for Fanconi anemia. Last evaluated: 2023-11-13. Review status: criteria provided, single submitter. Criteria: Invitae Variant Classification Sherloc (09022015). Collection method: clinical testing. Allele origin: germline.
Comment: This sequence change replaces isoleucine, which is neutral and non-polar, with valine, which is neutral and non-polar, at codon 517 of the FANCD2 protein (p.Ile517Val). This variant is not present in population databases (gnomAD no frequency). This variant has not been reported in the literature in individuals affected with FANCD2-related conditions. ClinVar contains an entry for this variant (Variation ID: 1440769). Advanced modeling of protein sequence and biophysical properties (such as structural, functional, and spatial information, amino acid conservation, physicochemical variation, residue mobility, and thermodynamic stability) performed at Invitae indicates that this missense variant is not expected to disrupt FANCD2 protein function with a negative predictive value of 80%. In summary, the available evidence is currently insufficient to determine the role of this variant in disease. Therefore, it has been classified as a Variant of Uncertain Significance.

Laboratorio de Genetica e Diagnostico Molecular, Hospital Israelita Albert Einstein
Classification: Uncertain significance for Fanconi anemia complementation group D2. Last evaluated: 2023-02-17. Review status: criteria provided, single submitter. Criteria: ACMG Guidelines, 2015. Collection method: clinical testing. Allele origin: germline. Affected: yes.
Comment: ACMG classification criteria: PM2 moderate, BP4 supporting